The following is an entry in ClinVar:

ClinVar aggregate classification (germline): Uncertain significance. Review status: criteria provided, multiple submitters, no conflicts (2 of 4 stars). 3 submissions from 3 submitters: Uncertain significance (3). Last evaluated 2026-02-01.

Conditions:
KANK4-related disorder. Also called: KANK4-related condition.

Allele frequency attached by ClinVar (database versions not stated): gnomAD exomes 0.00002; ExAC 0.00007; 1000 Genomes Project 0.00020; gnomAD 0.00023; 1000 Genomes Project 30x 0.00031; TOPMed 0.00031; ESP Exome Variant Server 0.00038.
gnomAD v4.1: 69 of 1,613,946 alleles (0.0043%); highest among the groups gnomAD compares: African/African-American, 0.079%; no homozygotes.

Submissions (3):

Labcorp Genetics (formerly Invitae), Labcorp
Classification: Uncertain significance. Last evaluated: 2026-02-01. Review status: criteria provided, single submitter. Criteria: Invitae Variant Classification Sherloc (09022015). Collection method: clinical testing. Allele origin: germline.
Comment: This sequence change replaces aspartic acid, which is acidic and polar, with asparagine, which is neutral and polar, at codon 692 of the KANK4 protein (p.Asp692Asn). This variant is present in population databases (rs146584297, gnomAD 0.08%), and has an allele count higher than expected for a pathogenic variant. This variant has not been reported in the literature in individuals affected with KANK4-related conditions. ClinVar contains an entry for this variant (Variation ID: 2169450). An algorithm developed to predict the effect of missense changes on protein structure and function (PolyPhen-2) suggests that this variant is likely to be tolerated. In summary, the available evidence is currently insufficient to determine the role of this variant in disease. Therefore, it has been classified as a Variant of Uncertain Significance.

Ambry Genetics
Classification: Uncertain significance. Last evaluated: 2024-07-02. Review status: criteria provided, single submitter. Criteria: Ambry Variant Classification Scheme 2023. Collection method: clinical testing. Allele origin: germline.

PreventionGenetics, part of Exact Sciences
Classification: Uncertain significance for KANK4-related condition. Last evaluated: 2022-12-20. Review status: criteria provided, single submitter. Criteria: ACMG Guidelines, 2015. Collection method: clinical testing. Allele origin: germline.
Comment: The KANK4 c.2074G>A variant is predicted to result in the amino acid substitution p.Asp692Asn. To our knowledge, this variant has not been reported in the literature. This variant is reported in 0.076% of alleles in individuals of African descent in gnomAD. At this time, the clinical significance of this variant is uncertain due to the absence of conclusive functional and genetic evidence.

NM_181712.5(KANK4):c.2074G>A (p.Asp692Asn)

Gene: KANK4 (KN motif and ankyrin repeat domains 4; minus strand). Cytogenetic location: 1p31.3.
Variant type: single nucleotide variant.
Coding change: c.2074G>A on transcript NM_181712.5 (MANE Select); coding-DNA position 2074, G replaced by A.
Protein change: p.Asp692Asn; replaces aspartic acid 692 with asparagine.
Molecular consequence: missense variant.
Genome position (GRCh38, 1-based): chr1:62,268,444, C>T on the plus strand (G>A on the coding strand, the complement: KANK4 is on the minus strand). VCF-style: chr1-62268444-C-T. GRCh37 (hg19) VCF-style: chr1-62734116-C-T.
Other names: c.190G>A, p.Asp64Asn (NM_001320269.2); c.2074G>A (NM_181712.4); short protein forms D692N, D64N.
Identifiers: ClinVar variation 2169450 (VCV002169450.7), dbSNP rs146584297, ClinGen allele CA884220.
Genomic context (GRCh38, chr1:62,268,444, plus strand): 5'-GATGGGCATCTTTGACATGCTTGTGATCTGGGCCGTCACACTTCTTCTCTGCCTCGCTGT[C>T]AGACAAGTCCTCTGGGGTGCTGTCCTCACCGCTGGTCTCCTCACTTGAGGTGGTCTCATA-3'
Protein context (NP_859063.3, residues 682-702): GEDSTPEDLS[Asp692Asn]SEAEKKCDGP